The following is an entry in ClinVar:

ClinVar aggregate classification (germline): Benign/Likely benign. Review status: criteria provided, multiple submitters, no conflicts (2 of 4 stars). 3 submissions from 3 submitters: Benign (1); Likely benign (2). Last evaluated 2024-03-14.

Conditions:
Hereditary cancer-predisposing syndrome. Also called: Tumor predisposition; Hereditary neoplastic syndrome; Neoplastic Syndromes, Hereditary; Hereditary Cancer Syndrome. Identifiers: Orphanet 140162, MedGen C0027672, MeSH D009386, MONDO:0015356.
Familial adenomatous polyposis 1 (FAP1). Also called: FAMILIAL ADENOMATOUS POLYPOSIS 1, ATTENUATED; POLYPOSIS, ADENOMATOUS INTESTINAL. Identifiers: MedGen C2713442, MONDO:0021056, OMIM 175100. Disease mechanism: loss of function.

Allele frequency attached by ClinVar (database versions not stated): gnomAD exomes below 0.00001.
gnomAD v4.1: 1 of 1,614,208 alleles (0.000062%); highest among the groups gnomAD compares: Non-Finnish European, 0.000085%; no homozygotes.

Submissions (3):

Myriad Genetics, Inc.
Classification: Benign for Familial adenomatous polyposis 1. Last evaluated: 2024-03-14. Review status: criteria provided, single submitter. Criteria: Myriad Autosomal Dominant, Autosomal Recessive and X-Linked Classification Criteria (2023). Collection method: clinical testing. Allele origin: unknown.
Comment: This variant is considered benign. This variant is a silent/synonymous amino acid change and it is not expected to impact splicing.

Labcorp Genetics (formerly Invitae), Labcorp
Classification: Likely benign for Familial adenomatous polyposis 1. Last evaluated: 2024-02-17. Review status: criteria provided, single submitter. Criteria: Invitae Variant Classification Sherloc (09022015). Collection method: clinical testing. Allele origin: germline.

Ambry Genetics
Classification: Likely benign for Hereditary cancer-predisposing syndrome. Last evaluated: 2019-12-30. Review status: criteria provided, single submitter. Criteria: Ambry Variant Classification Scheme 2023. Collection method: clinical testing. Allele origin: germline.

NM_000038.6(APC):c.2511A>C (p.Ser837=)

Gene: APC (APC regulator of Wnt signaling pathway; plus strand). Cytogenetic location: 5q22.2.
Variant type: single nucleotide variant.
Coding change: c.2511A>C on transcript NM_000038.6 (MANE Select); coding-DNA position 2511, A replaced by C.
Protein change: p.Ser837=; no amino-acid change (serine 837 retained).
Molecular consequence: synonymous variant.
Genome position (GRCh38, 1-based): chr5:112,838,105, A>C. VCF-style: chr5-112838105-A-C. GRCh37 (hg19) VCF-style: chr5-112173802-A-C.
Other names: c.2511A>C, p.Ser837= (NM_001127510.3, NM_001354895.2); c.2457A>C, p.Ser819= (NM_001127511.3); c.2565A>C, p.Ser855= (NM_001354896.2); c.2541A>C, p.Ser847= (NM_001354897.2); c.2436A>C, p.Ser812= (NM_001354898.2); c.2427A>C, p.Ser809= (NM_001354899.2); c.2388A>C, p.Ser796= (NM_001354900.2); c.2334A>C, p.Ser778= (NM_001354901.2); and 5 more.
Identifiers: ClinVar variation 1500672 (VCV001500672.8), dbSNP rs79909810, ClinGen allele CA445962811.
Genomic context (GRCh38, chr5:112,838,105, plus strand): 5'-CAACATGACTGTCCTTTCACCATATTTGAATACTACAGTGTTACCCAGCTCCTCTTCATC[A>C]AGAGGAAGCTTAGATAGTTCTCGTTCTGAAAAAGATAGAAGTTTGGAGAGAGAACGCGGA-3'
Protein context (NP_000029.2, residues 827-847): NTTVLPSSSS[Ser837=]RGSLDSSRSE